The following is an entry in ClinVar:

ClinVar aggregate classification (germline): Uncertain significance (1 of 4 stars; one submission).

Allele frequency attached by ClinVar (database versions not stated): gnomAD exomes below 0.00001.
gnomAD v4.1: 1 of 1,614,112 alleles (0.000062%); highest among the groups gnomAD compares: Non-Finnish European, 0.000085%; no homozygotes.

Submission:

Labcorp Genetics (formerly Invitae), Labcorp
Classification: Uncertain significance. Last evaluated: 2023-01-29. Review status: criteria provided, single submitter. Criteria: Invitae Variant Classification Sherloc (09022015). Collection method: clinical testing. Allele origin: germline.
Comment: This sequence change replaces serine, which is neutral and polar, with asparagine, which is neutral and polar, at codon 690 of the ANKZF1 protein (p.Ser690Asn). This variant is present in population databases (no rsID available, gnomAD 0.0009%). This variant has not been reported in the literature in individuals affected with ANKZF1-related conditions. Algorithms developed to predict the effect of missense changes on protein structure and function output the following: SIFT: "Tolerated"; PolyPhen-2: "Benign"; Align-GVGD: "Class C0". The asparagine amino acid residue is found in multiple mammalian species, which suggests that this missense change does not adversely affect protein function. In summary, the available evidence is currently insufficient to determine the role of this variant in disease. Therefore, it has been classified as a Variant of Uncertain Significance.

NM_018089.3(ANKZF1):c.2069G>A (p.Ser690Asn)

Gene: ANKZF1 (ankyrin repeat and zinc finger peptidyl tRNA hydrolase 1; plus strand). Cytogenetic location: 2q35.
Variant type: single nucleotide variant.
Coding change: c.2069G>A on transcript NM_018089.3 (MANE Select); coding-DNA position 2069, G replaced by A.
Protein change: p.Ser690Asn; replaces serine 690 with asparagine.
Molecular consequence: missense variant.
Genome position (GRCh38, 1-based): chr2:219,236,333, G>A. VCF-style: chr2-219236333-G-A. GRCh37 (hg19) VCF-style: chr2-220101055-G-A.
Other names: c.2069G>A, p.Ser690Asn (NM_001042410.2); c.1439G>A, p.Ser480Asn (NM_001282792.2); short protein forms S690N, S480N.
Identifiers: ClinVar variation 2832803 (VCV002832803.3), dbSNP rs1238160782, ClinGen allele CA350689232.